The following is an entry in ClinVar:

NM_004315.6(ASAH1):c.6C>T (p.Asn2=)

Gene: ASAH1 (N-acylsphingosine amidohydrolase 1; minus strand). Cytogenetic location: 8p22.
Variant type: single nucleotide variant.
Coding change: c.6C>T on transcript NM_004315.6; coding-DNA position 6, C replaced by T.
Protein change: p.Asn2=; no amino-acid change (asparagine 2 retained).
Molecular consequence: synonymous variant.
Genome position (GRCh38, 1-based): chr8:18,084,796, G>A on the plus strand (C>T on the coding strand, the complement: ASAH1 is on the minus strand). VCF-style: chr8-18084796-G-A. GRCh37 (hg19) VCF-style: chr8-17942305-G-A.
Other names: c.6C>T, p.Asn2= (NM_001127505.3).
Identifiers: ClinVar variation 5041746 (VCV005041746.1).

ClinVar aggregate classification (germline): Likely benign (1 of 4 stars; one submission).

gnomAD v4.1: 1 of 1,613,498 alleles (0.000062%); highest among the groups gnomAD compares: African/African-American, 0.0013%; no homozygotes.

Submission:

CeGaT Center for Human Genetics Tuebingen
Classification: Likely benign. Last evaluated: 2026-09-01. Review status: criteria provided, single submitter. Criteria: CeGaT Center For Human Genetics Tuebingen Variant Classification Criteria Version 2. Collection method: clinical testing. Allele origin: germline. Affected: yes. Observed: 1 variant allele.
Comment: ASAH1: BP4, BP7